The following is an entry in ClinVar:

ClinVar aggregate classification (germline): Benign. Review status: criteria provided, multiple submitters, no conflicts (2 of 4 stars). 3 submissions from 3 submitters: Benign (2). 1 of the submissions does not count toward it. Last evaluated 2019-12-31.

Conditions:
MAP7D3-related disorder. Also called: MAP7D3-related condition.

Allele frequency attached by ClinVar (database versions not stated): 1000 Genomes Project 0.00079; 1000 Genomes Project 30x 0.00083; TOPMed 0.00220; gnomAD 0.00303 and 0.00305; ExAC 0.00328; gnomAD exomes 0.00349 and 0.00488; ESP Exome Variant Server 0.00440.
gnomAD v4.1: 5,544 of 1,188,264 alleles (0.47%); highest among the groups gnomAD compares: Non-Finnish European, 0.54%; 15 homozygotes.

Submissions (3):

Labcorp Genetics (formerly Invitae), Labcorp
Classification: Benign. Last evaluated: 2019-12-31. Review status: criteria provided, single submitter. Criteria: Invitae Variant Classification Sherloc (09022015). Collection method: clinical testing. Allele origin: germline.

Breakthrough Genomics
Classification: Benign. Review status: criteria provided, single submitter. Criteria: ACMG Guidelines, 2015. Collection method: not provided. Allele origin: germline. Inheritance: Unknown mechanism. Affected: yes.

PreventionGenetics, part of Exact Sciences
Classification: Benign for MAP7D3-related condition. Last evaluated: 2019-09-05. Review status: no assertion criteria provided. Collection method: clinical testing. Allele origin: germline. Not counted in ClinVar's aggregate classification.
Comment: This variant is classified as benign based on ACMG/AMP sequence variant interpretation guidelines (Richards et al. 2015 PMID: 25741868, with internal and published modifications).

NM_024597.4(MAP7D3):c.2123G>A (p.Arg708Gln)

Gene: MAP7D3 (MAP7 domain containing 3; minus strand). Cytogenetic location: Xq26.3.
Variant type: single nucleotide variant.
Coding change: c.2123G>A on transcript NM_024597.4 (MANE Select); coding-DNA position 2123, G replaced by A.
Protein change: p.Arg708Gln; replaces arginine 708 with glutamine.
Molecular consequence: missense variant.
Genome position (GRCh38, 1-based): chrX:136,225,925, C>T on the plus strand (G>A on the coding strand, the complement: MAP7D3 is on the minus strand). VCF-style: chrX-136225925-C-T. GRCh37 (hg19) VCF-style: chrX-135308084-C-T.
Other names: c.2069G>A, p.Arg690Gln (NM_001173516.1); c.2018G>A, p.Arg673Gln (NM_001173517.2); short protein forms R673Q, R708Q, R690Q.
Identifiers: ClinVar variation 719311 (VCV000719311.7), dbSNP rs191075892, ClinGen allele CA10525338.
Genomic context (GRCh38, chrX:136,225,925, plus strand): 5'-GTTTTAAACACAGAATCAAGTCCCCCCAAACAGAGAGCGAGTACCTTTTTCCTTTCTAAC[C>T]GTTCTTGTAAATTTTGTAACATAATTCTCTCGTGTTCTTTCTTGCGTTTGTCAGCTTCCT-3'
Protein context (NP_078873.2, residues 698-718): ERIMLQNLQE[Arg708Gln]LERKKRIEEI